The following is an entry in ClinVar:

ClinVar aggregate classification (germline): Uncertain significance. Review status: criteria provided, multiple submitters, no conflicts (2 of 4 stars). 2 submissions from 2 submitters: Uncertain significance (2). Last evaluated 2025-06-03.

Conditions:
Inborn genetic diseases. Identifiers: MedGen C0950123, MeSH D030342.

Allele frequency attached by ClinVar (database versions not stated): TOPMed 0.00001; gnomAD 0.00001; ExAC 0.00002; gnomAD exomes 0.00001.

Submissions (2):

Labcorp Genetics (formerly Invitae), Labcorp
Classification: Uncertain significance. Last evaluated: 2025-06-03. Review status: criteria provided, single submitter. Criteria: Invitae Variant Classification Sherloc (09022015). Collection method: clinical testing. Allele origin: germline.
Comment: This sequence change replaces serine, which is neutral and polar, with tyrosine, which is neutral and polar, at codon 724 of the SAMD9 protein (p.Ser724Tyr). This variant is present in population databases (rs771996844, gnomAD 0.007%). This variant has not been reported in the literature in individuals affected with SAMD9-related conditions. ClinVar contains an entry for this variant (Variation ID: 2017233). Invitae Evidence Modeling of protein sequence and biophysical properties (such as structural, functional, and spatial information, amino acid conservation, physicochemical variation, residue mobility, and thermodynamic stability) indicates that this missense variant is not expected to disrupt SAMD9 protein function with a negative predictive value of 95%. In summary, the available evidence is currently insufficient to determine the role of this variant in disease. Therefore, it has been classified as a Variant of Uncertain Significance.

Ambry Genetics
Classification: Uncertain significance for Inborn genetic diseases. Last evaluated: 2024-12-29. Review status: criteria provided, single submitter. Criteria: Ambry Variant Classification Scheme 2023. Collection method: clinical testing. Allele origin: germline.
Comment: The p.S724Y variant (also known as c.2171C>A), located in coding exon 1 of the SAMD9 gene, results from a C to A substitution at nucleotide position 2171. The serine at codon 724 is replaced by tyrosine, an amino acid with dissimilar properties. This amino acid position is conserved. In addition, this alteration is predicted to be tolerated by in silico analysis. Based on the available evidence, the clinical significance of this variant remains unclear.

NM_017654.4(SAMD9):c.2171C>A (p.Ser724Tyr)

Gene: SAMD9 (sterile alpha motif domain containing 9; minus strand). Cytogenetic location: 7q21.2.
Variant type: single nucleotide variant.
Coding change: c.2171C>A on transcript NM_017654.4 (MANE Select); coding-DNA position 2171, C replaced by A.
Protein change: p.Ser724Tyr; replaces serine 724 with tyrosine.
Molecular consequence: missense variant.
Genome position (GRCh38, 1-based): chr7:93,103,927, G>T on the plus strand (C>A on the coding strand, the complement: SAMD9 is on the minus strand). VCF-style: chr7-93103927-G-T. GRCh37 (hg19) VCF-style: chr7-92733240-G-T.
Other names: c.2171C>A (NM_017654.3); c.2171C>A, p.Ser724Tyr (NM_001193307.2); short protein forms S724Y.
Identifiers: ClinVar variation 2017233 (VCV002017233.5), dbSNP rs771996844, ClinGen allele CA4342878.